The following is an entry in ClinVar:

NM_015599.3(PGM3):c.179T>C (p.Met60Thr)

Gene: PGM3 (phosphoglucomutase 3; minus strand). Cytogenetic location: 6q14.1.
Variant type: single nucleotide variant.
Coding change: c.179T>C on transcript NM_015599.3 (MANE Select); coding-DNA position 179, T replaced by C.
Protein change: p.Met60Thr; replaces methionine 60 with threonine.
Molecular consequence: missense variant. On other transcripts: non-coding transcript variant (1), intron variant (1).
Genome position (GRCh38, 1-based): chr6:83,190,834, A>G on the plus strand (T>C on the coding strand, the complement: PGM3 is on the minus strand). VCF-style: chr6-83190834-A-G. GRCh37 (hg19) VCF-style: chr6-83900553-A-G.
Other names: c.263T>C, p.Met88Thr (NM_001199917.2, NM_001367287.1); c.179T>C, p.Met60Thr (NM_001199919.2, NM_001367286.1); c.-39-2036T>C (NM_001199918.2); short protein forms M88T, M60T.
Identifiers: ClinVar variation 2064979 (VCV002064979.4), dbSNP rs753389438, ClinGen allele CA3906878.
Genomic context (GRCh38, chr6:83,190,834, plus strand): 5'-AATGGTCTGCTTTATCAGGGCACTAAACCCATTACCTCAGGATTGTGGGACGCTGTTACC[A>G]TGACTCCTATAGTGGATTTTGTCTGTTTTGACCTCAGGACAGCTAATAATCCCATGCGAA-3'
Protein context (NP_056414.1, residues 50-70): SKQTKSTIGV[Met60Thr]VTASHNPEED

ClinVar aggregate classification (germline): Uncertain significance (1 of 4 stars; one submission).

Conditions:
Immunodeficiency 23 (IMD23). Also called: IMMUNODEFICIENCY WITH HYPER IgE AND COGNITIVE IMPAIRMENT; IMMUNODEFICIENCY-VASCULITIS-MYOCLONUS SYNDROME. Identifiers: Orphanet 443811, MedGen C4014371, MONDO:0014353, OMIM 615816.

Allele frequency attached by ClinVar (database versions not stated): gnomAD exomes below 0.00001; TOPMed below 0.00001; ExAC 0.00001.
gnomAD v4.1: 2 of 1,613,974 alleles (0.00012%); highest among the groups gnomAD compares: Admixed American, 0.0017%; no homozygotes.

Submission:

Labcorp Genetics (formerly Invitae), Labcorp
Classification: Uncertain significance for Immunodeficiency 23. Last evaluated: 2022-07-12. Review status: criteria provided, single submitter. Criteria: Invitae Variant Classification Sherloc (09022015). Collection method: clinical testing. Allele origin: germline.
Comment: In summary, the available evidence is currently insufficient to determine the role of this variant in disease. Therefore, it has been classified as a Variant of Uncertain Significance. Algorithms developed to predict the effect of missense changes on protein structure and function (SIFT, PolyPhen-2, Align-GVGD) all suggest that this variant is likely to be disruptive. This variant has not been reported in the literature in individuals affected with PGM3-related conditions. This variant is present in population databases (rs753389438, gnomAD 0.003%). This sequence change replaces methionine, which is neutral and non-polar, with threonine, which is neutral and polar, at codon 88 of the PGM3 protein (p.Met88Thr).